The following is an entry in ClinVar:

NM_000342.4(SLC4A1):c.1999T>A (p.Ser667Thr)

Gene: SLC4A1 (solute carrier family 4 member 1 (Diego blood group); minus strand). Cytogenetic location: 17q21.31.
Variant type: single nucleotide variant.
Coding change: c.1999T>A on transcript NM_000342.4 (MANE Select); coding-DNA position 1999, T replaced by A.
Protein change: p.Ser667Thr; replaces serine 667 with threonine.
Molecular consequence: missense variant.
Genome position (GRCh38, 1-based): chr17:44,254,554, A>T on the plus strand (T>A on the coding strand, the complement: SLC4A1 is on the minus strand). VCF-style: chr17-44254554-A-T. GRCh37 (hg19) VCF-style: chr17-42331922-A-T.
Other names: short protein forms S667T.
Identifiers: ClinVar variation 3715868 (VCV003715868.2).

ClinVar aggregate classification (germline): Uncertain significance (1 of 4 stars; one submission).

gnomAD v4.1: 18 of 1,606,660 alleles (0.0011%); highest among the groups gnomAD compares: Admixed American, 0.0017%; no homozygotes.

Submission:

Labcorp Genetics (formerly Invitae), Labcorp
Classification: Uncertain significance. Last evaluated: 2025-03-04. Review status: criteria provided, single submitter. Criteria: Invitae Variant Classification Sherloc (09022015). Collection method: clinical testing. Allele origin: germline.
Comment: This sequence change replaces serine, which is neutral and polar, with threonine, which is neutral and polar, at codon 667 of the SLC4A1 protein (p.Ser667Thr). The frequency data for this variant in the population databases is considered unreliable, as metrics indicate poor data quality at this position in the gnomAD database. This variant has not been reported in the literature in individuals affected with SLC4A1-related conditions. Invitae Evidence Modeling of protein sequence and biophysical properties (such as structural, functional, and spatial information, amino acid conservation, physicochemical variation, residue mobility, and thermodynamic stability) indicates that this missense variant is not expected to disrupt SLC4A1 protein function with a negative predictive value of 80%. In summary, the available evidence is currently insufficient to determine the role of this variant in disease. Therefore, it has been classified as a Variant of Uncertain Significance.